The following is an entry in ClinVar:

NM_020166.5(MCCC1):c.1083+15dup

Gene: MCCC1 (methylcrotonyl-CoA carboxylase subunit 1; minus strand). Cytogenetic location: 3q27.1.
Variant type: Duplication.
Coding change: c.1083+15dup on transcript NM_020166.5 (MANE Select); 15 bases into the intron after coding-DNA position 1083, one base duplicated (T; older notation c.1083+15dupT).
Molecular consequence: intron variant.
Genome position (GRCh38, 1-based): chr3:183,045,398, A duplicated on the plus strand (T on the coding strand, the reverse complement: MCCC1 is on the minus strand); the first of 6 consecutive A bases (chr3:183,045,398-183,045,403); duplicating any one gives the same sequence. VCF-style (leftmost placement, unchanged base first): chr3-183045397-G-GA. GRCh37 (hg19) VCF-style: chr3-182763185-G-GA.
Other names: c.756+15dup (NM_001363880.1); c.732+15dup (NM_001293273.2); c.1083+15dupT (NM_020166.3).
Identifiers: ClinVar variation 507983 (VCV000507983.9), dbSNP rs377092260, ClinGen allele CA2718888.
Genomic context (GRCh38, chr3:183,045,397, plus strand): 5'-GCCAAAGTGCTGGGACTACAGGCTTGAGCCACCGCACCCAGCCAAGGCTGATTTTTAATA[G>GA]AAAAAATATTCTCACTCTAAGCTGCCACTCCACCAAGTCAGTTCCTGTGATCATCTCAGT-3'

ClinVar aggregate classification (germline): Benign/Likely benign. Review status: criteria provided, multiple submitters, no conflicts (2 of 4 stars). 3 submissions from 3 submitters: Benign (1); Likely benign (2). Last evaluated 2026-01-12.

Conditions:
3-methylcrotonyl-CoA carboxylase 1 deficiency (MCC1D). Also called: MCC 1 deficiency; 3 Alpha methylcrotonylglycinuria 1; MCCD TYPE 1; METHYLCROTONYLGLYCINURIA TYPE I. Identifiers: Orphanet 6, MedGen CN028786, MONDO:0008861, OMIM 210200.

Submissions (3):

Labcorp Genetics (formerly Invitae), Labcorp
Classification: Benign for 3-methylcrotonyl-CoA carboxylase 1 deficiency. Last evaluated: 2026-01-12. Review status: criteria provided, single submitter. Criteria: Invitae Variant Classification Sherloc (09022015). Collection method: clinical testing. Allele origin: germline.

Blueprint Genetics
Classification: Likely benign. Last evaluated: 2024-11-07. Review status: criteria provided, single submitter. Criteria: ACMG Guidelines, 2015. Collection method: clinical testing. Allele origin: germline.

GeneDx
Classification: Likely benign. Last evaluated: 2017-09-21. Review status: criteria provided, single submitter. Criteria: GeneDx Variant Classification (06012015). Collection method: clinical testing. Allele origin: germline. Affected: yes.
Comment: This variant is considered likely benign or benign based on one or more of the following criteria: it is a conservative change, it occurs at a poorly conserved position in the protein, it is predicted to be benign by multiple in silico algorithms, and/or has population frequency not consistent with disease.